The following is an entry in ClinVar:

ClinVar aggregate classification (germline): Likely benign. Review status: criteria provided, multiple submitters, no conflicts (2 of 4 stars). 4 submissions from 4 submitters: Likely benign (4). Last evaluated 2025-11-01.

Conditions:
Cardiovascular phenotype. Identifiers: MedGen CN230736.
Long QT syndrome (LQTS). Identifiers: MedGen C0023976, MeSH D008133, MONDO:0002442. Disease mechanism: loss of function. Inheritance: Various modes of inheritance.

Allele frequency attached by ClinVar (database versions not stated): ExAC 0.00001; gnomAD 0.00001 and 0.00002; gnomAD exomes 0.00001; TOPMed 0.00001.
gnomAD v4.1: 29 of 1,613,510 alleles (0.0018%); highest among the groups gnomAD compares: South Asian, 0.0099%; no homozygotes.

Submissions (4):

CeGaT Center for Human Genetics Tuebingen
Classification: Likely benign. Last evaluated: 2025-11-01. Review status: criteria provided, single submitter. Criteria: CeGaT Center For Human Genetics Tuebingen Variant Classification Criteria Version 2. Collection method: clinical testing. Allele origin: germline. Affected: yes. Observed: 1 variant allele.
Comment: CACNA1C: BP4, BP7

Labcorp Genetics (formerly Invitae), Labcorp
Classification: Likely benign for Long QT syndrome. Last evaluated: 2025-08-11. Review status: criteria provided, single submitter. Criteria: Invitae Variant Classification Sherloc (09022015). Collection method: clinical testing. Allele origin: germline.

Blueprint Genetics
Classification: Likely benign. Last evaluated: 2024-05-08. Review status: criteria provided, single submitter. Criteria: ACMG Guidelines, 2015. Collection method: clinical testing. Allele origin: germline.

Ambry Genetics
Classification: Likely benign for Cardiovascular phenotype. Last evaluated: 2016-08-10. Review status: criteria provided, single submitter. Criteria: Ambry Variant Classification Scheme 2023. Collection method: clinical testing. Allele origin: germline.

NM_000719.7(CACNA1C):c.6000C>T (p.Pro2000=)

Genes: CACNA1C (calcium voltage-gated channel subunit alpha1 C; plus strand), CACNA1C-AS1 (CACNA1C antisense RNA 1; minus strand). Cytogenetic location: 12p13.33.
Variant type: single nucleotide variant.
Coding change: c.6000C>T on transcript NM_000719.7 (MANE Select); coding-DNA position 6000, C replaced by T.
Protein change: p.Pro2000=; no amino-acid change (proline 2000 retained).
Molecular consequence: synonymous variant.
Genome position (GRCh38, 1-based): chr12:2,688,662, C>T. VCF-style: chr12-2688662-C-T. GRCh37 (hg19) VCF-style: chr12-2797828-C-T.
Other names: c.6144C>T, p.Pro2048= (NM_001129827.2); c.6123C>T, p.Pro2041= (NM_001129829.2); c.6105C>T, p.Pro2035= (NM_001129830.3, NM_001167624.3); c.6084C>T, p.Pro2028= (NM_001129831.2); c.6060C>T, p.Pro2020= (NM_001129832.2); c.6057C>T, p.Pro2019= (NM_001129833.2, NM_001129834.2, NM_001129835.2); c.6051C>T, p.Pro2017= (NM_001129836.2); c.6024C>T, p.Pro2008= (NM_001129837.2, NM_001129838.2); and 6 more.
Identifiers: ClinVar variation 519306 (VCV000519306.32), dbSNP rs772160508, ClinGen allele CA6390045.